The following is an entry in ClinVar:

ClinVar aggregate classification (germline): Uncertain significance (1 of 4 stars; one submission).

Conditions:
Congenital myopathy with internal nuclei and atypical cores. Also called: Myopathy, centronuclear, 4. Identifiers: Orphanet 319160, MedGen C4707232, MONDO:0013890, OMIM 614807.

Submission:

Labcorp Genetics (formerly Invitae), Labcorp
Classification: Uncertain significance for Congenital myopathy with internal nuclei and atypical cores. Last evaluated: 2022-06-20. Review status: criteria provided, single submitter. Criteria: Invitae Variant Classification Sherloc (09022015). Collection method: clinical testing. Allele origin: germline.
Comment: In summary, the available evidence is currently insufficient to determine the role of this variant in disease. Therefore, it has been classified as a Variant of Uncertain Significance. Algorithms developed to predict the effect of missense changes on protein structure and function output the following: SIFT: "Tolerated"; PolyPhen-2: "Benign"; Align-GVGD: "Class C0". The leucine amino acid residue is found in multiple mammalian species, which suggests that this missense change does not adversely affect protein function. This variant has not been reported in the literature in individuals affected with CCDC78-related conditions. This variant is not present in population databases (gnomAD no frequency). This sequence change replaces phenylalanine, which is neutral and non-polar, with leucine, which is neutral and non-polar, at codon 345 of the CCDC78 protein (p.Phe345Leu).

NM_001378030.1(CCDC78):c.1033T>C (p.Phe345Leu)

Gene: CCDC78 (coiled-coil domain containing 78; minus strand). Cytogenetic location: 16p13.3.
Variant type: single nucleotide variant.
Coding change: c.1033T>C on transcript NM_001378030.1 (MANE Select); coding-DNA position 1033, T replaced by C.
Protein change: p.Phe345Leu; replaces phenylalanine 345 with leucine.
Molecular consequence: missense variant. On other transcripts: non-coding transcript variant (5), intron variant (1).
Genome position (GRCh38, 1-based): chr16:724,126, A>G on the plus strand (T>C on the coding strand, the complement: CCDC78 is on the minus strand). VCF-style: chr16-724126-A-G. GRCh37 (hg19) VCF-style: chr16-774126-A-G.
Other names: c.1033T>C, p.Phe345Leu (NM_001031737.3); c.466T>C, p.Phe156Leu (NM_001378033.1); c.953+196T>C (NM_001378031.1); short protein forms F156L, F345L.
Identifiers: ClinVar variation 1352227 (VCV001352227.6), dbSNP rs2040580658, ClinGen allele CA394098801.